The following is an entry in ClinVar:

ClinVar aggregate classification (germline): Pathogenic (1 of 4 stars; one submission).

Conditions:
Duchenne muscular dystrophy (DMD). Also called: MUSCULAR DYSTROPHY, PSEUDOHYPERTROPHIC PROGRESSIVE, DUCHENNE TYPE; Duchenne Muscular Dystrophy (DMD). Identifiers: Orphanet 98896, MedGen C0013264, MONDO:0010679, OMIM 310200.

Submission:

Labcorp Genetics (formerly Invitae), Labcorp
Classification: Pathogenic for Duchenne muscular dystrophy. Last evaluated: 2018-09-06. Review status: criteria provided, single submitter. Criteria: Invitae Variant Classification Sherloc (09022015). Collection method: clinical testing. Allele origin: germline.
Comment: This sequence change creates a premature translational stop signal (p.Gln2356Hisfs*8) in the DMD gene. It is expected to result in an absent or disrupted protein product. For these reasons, this variant has been classified as Pathogenic. Loss-of-function variants in DMD are known to be pathogenic (PMID: 16770791, 25007885). This variant has not been reported in the literature in individuals affected with DMD-related disease. ClinVar contains an entry for this variant (Variation ID: 409940). This variant is not present in population databases (ExAC no frequency).

Literature cited by the submitters: PubMed 16770791; PubMed 25007885.

NM_004006.3(DMD):c.7068_7069del (p.Gln2356fs)

Gene: DMD (dystrophin; minus strand). Cytogenetic location: Xp21.1.
Variant type: Deletion.
Coding change: c.7068_7069del on transcript NM_004006.3 (MANE Select); coding-DNA positions 7068 to 7069, 2 bases deleted (AC; older notation c.7068_7069delAC).
Protein change: p.Gln2356fs; shifts the reading frame from glutamine 2356.
Molecular consequence: frameshift variant. On other transcripts: 5 prime UTR variant (5).
Genome position (GRCh38, 1-based): chrX:31,875,217-31,875,218, GT deleted on the plus strand (AC on the coding strand, the reverse complement: DMD is on the minus strand). VCF-style (leftmost placement, unchanged base first): chrX-31875216-GGT-G. GRCh37 (hg19) VCF-style: chrX-31893333-GGT-G.
Other names: c.7044_7045del, p.Gln2348fs (NM_000109.4); c.7056_7057del, p.Gln2352fs (NM_004009.3); c.6699_6700del, p.Gln2233fs (NM_004010.3); c.3045_3046del, p.Gln1015fs (NM_004011.4); c.3036_3037del, p.Gln1012fs (NM_004012.4); c.-313_-312del (NM_004013.3, NM_004020.4, NM_004021.3 and 2 more transcripts); c.7068_7069delAC (NM_004006.2); short protein forms Q1015fs, Q2233fs, Q2352fs, Q1012fs, Q2348fs, Q2356fs.
Identifiers: ClinVar variation 409940 (VCV000409940.8), dbSNP rs1060502659, ClinGen allele CA16616493.